The following is an entry in ClinVar:

ClinVar aggregate classification (germline): Uncertain significance. Review status: criteria provided, multiple submitters, no conflicts (2 of 4 stars). 3 submissions from 3 submitters: Uncertain significance (2). 1 of the submissions does not count toward it. Last evaluated 2025-01-09.

Conditions:
Inborn genetic diseases. Identifiers: MedGen C0950123, MeSH D030342.
Dyskeratosis congenita, autosomal recessive 5 (DKCB5). Identifiers: MedGen C3554656, MONDO:0014076, OMIM 615190.
Pulmonary fibrosis and/or bone marrow failure, Telomere-related, 3. Also called: PULMONARY FIBROSIS AND/OR BONE MARROW FAILURE SYNDROME, TELOMERE-RELATED, 3. Identifiers: Orphanet 2032, MedGen C4225346, MONDO:0014613, OMIM 616373.
Dyskeratosis congenita. Identifiers: Orphanet 1775, MedGen C0265965, MONDO:0015780.

Allele frequency attached by ClinVar (database versions not stated): ExAC 0.00001.
gnomAD v4.1: 2 of 1,612,436 alleles (0.00012%); highest among the groups gnomAD compares: South Asian, 0.0022%; no homozygotes.

Submissions (3):

Ambry Genetics
Classification: Uncertain significance for Inborn genetic diseases. Last evaluated: 2025-01-09. Review status: criteria provided, single submitter. Criteria: Ambry Variant Classification Scheme 2023. Collection method: clinical testing. Allele origin: germline.
Comment: The p.F1110V variant (also known as c.3328T>G), located in coding exon 31 of the RTEL1 gene, results from a T to G substitution at nucleotide position 3328. The phenylalanine at codon 1110 is replaced by valine, an amino acid with highly similar properties. This amino acid position is conserved. In addition, the in silico prediction for this alteration is inconclusive. Based on the available evidence, the clinical significance of this variant remains unclear.

Labcorp Genetics (formerly Invitae), Labcorp
Classification: Uncertain significance for Dyskeratosis congenita, autosomal recessive 5; Pulmonary fibrosis and/or bone marrow failure, Telomere-related, 3. Last evaluated: 2021-08-28. Review status: criteria provided, single submitter. Criteria: Invitae Variant Classification Sherloc (09022015). Collection method: clinical testing. Allele origin: germline.
Comment: This sequence change replaces phenylalanine with valine at codon 1110 of the RTEL1 protein (p.Phe1110Val). The phenylalanine residue is weakly conserved and there is a small physicochemical difference between phenylalanine and valine. This variant is present in population databases (rs754275053, ExAC 0.006%). This variant has not been reported in the literature in individuals affected with RTEL1-related conditions. Algorithms developed to predict the effect of missense changes on protein structure and function (SIFT, PolyPhen-2, Align-GVGD) all suggest that this variant is likely to be tolerated. In summary, the available evidence is currently insufficient to determine the role of this variant in disease. Therefore, it has been classified as a Variant of Uncertain Significance.

Natera, Inc.
Classification: Uncertain significance for Dyskeratosis congenita. Last evaluated: 2020-08-24. Review status: no assertion criteria provided. Collection method: clinical testing. Allele origin: germline. Not counted in ClinVar's aggregate classification.

NM_001283009.2(RTEL1):c.3328T>G (p.Phe1110Val)

Genes: RTEL1-TNFRSF6B (RTEL1-TNFRSF6B readthrough (NMD candidate); plus strand), RTEL1 (regulator of telomere elongation helicase 1; plus strand). Cytogenetic location: 20q13.33.
Variant type: single nucleotide variant.
Coding change: c.3328T>G on transcript NM_001283009.2 (MANE Select); coding-DNA position 3328, T replaced by G.
Protein change: p.Phe1110Val; replaces phenylalanine 1110 with valine.
Molecular consequence: missense variant. On other transcripts: non-coding transcript variant (1).
Genome position (GRCh38, 1-based): chr20:63,694,959, T>G. VCF-style: chr20-63694959-T-G. GRCh37 (hg19) VCF-style: chr20-62326312-T-G.
Other names: c.2659T>G, p.Phe887Val (NM_001283010.1); c.3328T>G, p.Phe1110Val (NM_016434.4); c.3400T>G, p.Phe1134Val (NM_032957.5); short protein forms F1134V, F887V, F1110V.
Identifiers: ClinVar variation 858785 (VCV000858785.9), dbSNP rs754275053, ClinGen allele CA9965954.